The following is an entry in ClinVar:

ClinVar aggregate classification (germline): Uncertain significance (1 of 4 stars; one submission).

Conditions:
Intellectual developmental disorder, autosomal dominant 43. Also called: Intellectual disability, autosomal dominant 43. Identifiers: MedGen C4707429, MONDO:0014858, OMIM 616977.

gnomAD v4.1: 2 of 1,613,298 alleles (0.00012%); highest among the groups gnomAD compares: Middle Eastern, 0.017%; no homozygotes.

Submission:

Laboratorio de Genetica e Diagnostico Molecular, Hospital Israelita Albert Einstein
Classification: Uncertain significance for Intellectual developmental disorder, autosomal dominant 43. Last evaluated: 2022-10-14. Review status: criteria provided, single submitter. Criteria: ACMG Guidelines, 2015. Collection method: clinical testing. Allele origin: germline. Affected: yes.
Comment: ACMG classification criteria: PM2 supporting, BP4 supporting

NM_006734.4(HIVEP2):c.5279A>T (p.His1760Leu)

Gene: HIVEP2 (HIVEP zinc finger 2; minus strand). Cytogenetic location: 6q24.2.
Variant type: single nucleotide variant.
Coding change: c.5279A>T on transcript NM_006734.4 (MANE Select); coding-DNA position 5279, A replaced by T.
Protein change: p.His1760Leu; replaces histidine 1760 with leucine.
Molecular consequence: missense variant.
Genome position (GRCh38, 1-based): chr6:142,768,445, T>A on the plus strand (A>T on the coding strand, the complement: HIVEP2 is on the minus strand). VCF-style: chr6-142768445-T-A. GRCh37 (hg19) VCF-style: chr6-143089582-T-A.
Other names: short protein forms H1760L.
Identifiers: ClinVar variation 4056679 (VCV004056679.1).